The following is an entry in ClinVar:

NM_001040436.3(YARS2):c.986T>C (p.Ile329Thr)

Gene: YARS2 (tyrosyl-tRNA synthetase 2; minus strand). Cytogenetic location: 12p11.21.
Variant type: single nucleotide variant.
Coding change: c.986T>C on transcript NM_001040436.3 (MANE Select); coding-DNA position 986, T replaced by C.
Protein change: p.Ile329Thr; replaces isoleucine 329 with threonine.
Molecular consequence: missense variant.
Genome position (GRCh38, 1-based): chr12:32,750,836, A>G on the plus strand (T>C on the coding strand, the complement: YARS2 is on the minus strand). VCF-style: chr12-32750836-A-G. GRCh37 (hg19) VCF-style: chr12-32903770-A-G.
Other names: short protein forms I329T.
Identifiers: ClinVar variation 1958761 (VCV001958761.2), dbSNP rs762675101, ClinGen allele CA6508023.

ClinVar aggregate classification (germline): Uncertain significance (1 of 4 stars; one submission).

Allele frequency attached by ClinVar (database versions not stated): ExAC 0.00001; gnomAD exomes 0.00001; TOPMed 0.00002.

Submission:

Labcorp Genetics (formerly Invitae), Labcorp
Classification: Uncertain significance. Last evaluated: 2022-03-13. Review status: criteria provided, single submitter. Criteria: Invitae Variant Classification Sherloc (09022015). Collection method: clinical testing. Allele origin: germline.
Comment: This sequence change replaces isoleucine, which is neutral and non-polar, with threonine, which is neutral and polar, at codon 329 of the YARS2 protein (p.Ile329Thr). This variant is present in population databases (rs762675101, gnomAD 0.003%). This variant has not been reported in the literature in individuals affected with YARS2-related conditions. Advanced modeling of protein sequence and biophysical properties (such as structural, functional, and spatial information, amino acid conservation, physicochemical variation, residue mobility, and thermodynamic stability) performed at Invitae indicates that this missense variant is expected to disrupt YARS2 protein function. In summary, the available evidence is currently insufficient to determine the role of this variant in disease. Therefore, it has been classified as a Variant of Uncertain Significance.